The following is an entry in ClinVar:

ClinVar aggregate classification (germline): Uncertain significance. Review status: criteria provided, multiple submitters, no conflicts (2 of 4 stars). 3 submissions from 3 submitters: Uncertain significance (3). Last evaluated 2025-04-22.

Conditions:
PLEC-related disorder. Also called: PLEC-related disorders; PLEC-related condition.
Epidermolysis bullosa simplex 5C, with pyloric atresia (EBS5C). Also called: PLEC-Related Epidermolysis Bullosa with Pyloric Atresia; PLEC1-Related Epidermolysis Bullosa with Pyloric Atresia; Epidermolysis bullosa simplex with pyloric atresia. Identifiers: Orphanet 158684, MedGen C2677349, MONDO:0012807, OMIM 612138.
Epidermolysis bullosa simplex, Ogna type (EBS5A). Also called: Pidermolysis bullosa simplex 5A, Ogna type; EPIDERMOLYSIS BULLOSA SIMPLEX 5A, OGNA TYPE. Identifiers: Orphanet 79401, MedGen C0432317, MONDO:0007555, OMIM 131950.
Epidermolysis bullosa simplex 5B, with muscular dystrophy (EBS5B). Also called: Epidermolysis bullosa simplex with muscular dystrophy; EPIDERMOLYSIS BULLOSA SIMPLEX AND LIMB-GIRDLE MUSCULAR DYSTROPHY. Identifiers: Orphanet 257, MedGen C2931072, MONDO:0009181, OMIM 226670.
Epidermolysis bullosa simplex with nail dystrophy (EBS5D). Identifiers: MedGen C4225309, MONDO:0014661, OMIM 616487.
Autosomal recessive limb-girdle muscular dystrophy type 2Q (LGMDR17). Also called: MUSCULAR DYSTROPHY, LIMB-GIRDLE, AUTOSOMAL RECESSIVE 17. Identifiers: Orphanet 254361, MedGen C3150989, MONDO:0013390, OMIM 613723.
Inborn genetic diseases. Identifiers: MedGen C0950123, MeSH D030342.

Allele frequency attached by ClinVar (database versions not stated): gnomAD exomes 0.00004 and 0.00008; ExAC 0.00008; gnomAD 0.00017 and 0.00019; TOPMed 0.00018.
gnomAD v4.1: 137 of 1,577,544 alleles (0.0087%); highest among the groups gnomAD compares: African/African-American, 0.05%; no homozygotes.

Submissions (4):

Labcorp Genetics (formerly Invitae), Labcorp
Classification: Uncertain significance for Autosomal recessive limb-girdle muscular dystrophy type 2Q; Epidermolysis bullosa simplex, Ogna type; Epidermolysis bullosa simplex with nail dystrophy; Epidermolysis bullosa simplex 5C, with pyloric atresia; Epidermolysis bullosa simplex 5B, with muscular dystrophy. Last evaluated: 2025-04-22. Review status: criteria provided, single submitter. Criteria: Invitae Variant Classification Sherloc (09022015). Collection method: clinical testing. Allele origin: germline.
Comment: This sequence change replaces alanine, which is neutral and non-polar, with valine, which is neutral and non-polar, at codon 2385 of the PLEC protein (p.Ala2385Val). This variant is present in population databases (rs782367691, gnomAD 0.03%). This variant has not been reported in the literature in individuals affected with PLEC-related conditions. ClinVar contains an entry for this variant (Variation ID: 577216). An algorithm developed to predict the effect of missense changes on protein structure and function outputs the following: PolyPhen-2: "Benign". The valine amino acid residue is found in multiple mammalian species, which suggests that this missense change does not adversely affect protein function. In summary, the available evidence is currently insufficient to determine the role of this variant in disease. Therefore, it has been classified as a Variant of Uncertain Significance.

PreventionGenetics, part of Exact Sciences
Classification: Uncertain significance for PLEC-related condition. Last evaluated: 2025-03-20. Review status: criteria provided, single submitter. Criteria: ACMG Guidelines, 2015. Collection method: clinical testing. Allele origin: germline.
Comment: The PLEC c.7154C>T variant is predicted to result in the amino acid substitution p.Ala2385Val. To our knowledge, this variant has not been reported in the literature. This variant is reported in 0.033% of alleles in individuals of African descent in gnomAD. At this time, the clinical significance of this variant is uncertain due to the absence of conclusive functional and genetic evidence.

Ambry Genetics
Classification: Uncertain significance for Inborn genetic diseases. Last evaluated: 2024-10-09. Review status: criteria provided, single submitter. Criteria: Ambry Variant Classification Scheme 2023. Collection method: clinical testing. Allele origin: germline.

Dr. Peter K. Rogan Lab, Western University
No classification provided (evidence only). Condition: Colorectal cancer. Review status: no classification provided. Collection method: in vitro. Allele origin: not applicable. Functional consequence: retained intron. Not counted in ClinVar's aggregate classification.

NM_201384.3(PLEC):c.7073C>T (p.Ala2358Val)

Gene: PLEC (plectin; minus strand). Cytogenetic location: 8q24.3.
Variant type: single nucleotide variant.
Coding change: c.7073C>T on transcript NM_201384.3 (MANE Select); coding-DNA position 7073, C replaced by T.
Protein change: p.Ala2358Val; replaces alanine 2358 with valine.
Molecular consequence: missense variant.
Genome position (GRCh38, 1-based): chr8:143,922,856, G>A on the plus strand (C>T on the coding strand, the complement: PLEC is on the minus strand). VCF-style: chr8-143922856-G-A. GRCh37 (hg19) VCF-style: chr8-144997024-G-A.
Other names: c.7154C>T, p.Ala2385Val (NM_000445.5); c.7031C>T, p.Ala2344Val (NM_201378.4); c.7007C>T, p.Ala2336Val (NM_201379.3); c.7484C>T, p.Ala2495Val (NM_201380.4); c.6977C>T, p.Ala2326Val (NM_201381.3); c.7073C>T, p.Ala2358Val (NM_201382.4); c.7085C>T, p.Ala2362Val (NM_201383.3); c.7154C>T (NM_000445.3); short protein forms A2385V, A2336V, A2344V, A2362V, A2495V, A2326V, A2358V.
Identifiers: ClinVar variation 577216 (VCV000577216.11), dbSNP rs782367691, ClinGen allele CA4925767.